The following is an entry in ClinVar:

NM_000317.3(PTS):c.377T>A (p.Val126Asp)

Gene: PTS (6-pyruvoyltetrahydropterin synthase; plus strand). Cytogenetic location: 11q23.1.
Variant type: single nucleotide variant.
Coding change: c.377T>A on transcript NM_000317.3 (MANE Select); coding-DNA position 377, T replaced by A.
Protein change: p.Val126Asp; replaces valine 126 with aspartic acid.
Molecular consequence: missense variant.
Genome position (GRCh38, 1-based): chr11:112,233,494, T>A. VCF-style: chr11-112233494-T-A. GRCh37 (hg19) VCF-style: chr11-112104217-T-A.
Other names: short protein forms V126D.
Identifiers: ClinVar variation 4780829 (VCV004780829.1).

ClinVar aggregate classification (germline): Uncertain significance (1 of 4 stars; one submission).

Conditions:
6-Pyruvoyl-tetrahydrobiopterin synthase deficiency. Also called: Hyperphenylalanemia, BH4-deficient, A; Hyperphenylalaninemia due to 6-pyruvoyl-tetrahydropterin synthase deficiency; 6-Pyruvoyltetrahydropterin Synthase Deficiency; HYPERPHENYLALANINEMIA, TETRAHYDROBIOPTERIN-DEFICIENT, DUE TO PTS DEFICIENCY; BH4-deficient hyperphenylalaninemia A; PTS-Related Tetrahydrobiopterin Deficiency. Identifiers: Orphanet 13, Orphanet 238583, MedGen C0878676, MONDO:0009863, OMIM 261640.

Submission:

Labcorp Genetics (formerly Invitae), Labcorp
Classification: Uncertain significance for 6-Pyruvoyl-tetrahydrobiopterin synthase deficiency. Last evaluated: 2025-09-03. Review status: criteria provided, single submitter. Criteria: Invitae Variant Classification Sherloc (09022015). Collection method: clinical testing. Allele origin: germline.
Comment: This sequence change replaces valine, which is neutral and non-polar, with aspartic acid, which is acidic and polar, at codon 126 of the PTS protein (p.Val126Asp). This variant is not present in population databases (gnomAD no frequency). This missense change has been observed in individual(s) with tetrahydrobiopterin (BH4)-deficient hyperphenylalaninemia (internal data). (internal data). In at least one individual the data is consistent with being in trans (on the opposite chromosome) from a pathogenic variant. An algorithm developed to predict the effect of missense changes on protein structure and function (PolyPhen-2) suggests that this variant is likely to be tolerated. In summary, the available evidence is currently insufficient to determine the role of this variant in disease. Therefore, it has been classified as a Variant of Uncertain Significance.